The following is an entry in ClinVar:

ClinVar aggregate classification (germline): Pathogenic (1 of 4 stars; one submission).

Submission:

Labcorp Genetics (formerly Invitae), Labcorp
Classification: Pathogenic. Last evaluated: 2022-02-04. Review status: criteria provided, single submitter. Criteria: Invitae Variant Classification Sherloc (09022015). Collection method: clinical testing. Allele origin: germline.
Comment: This sequence change affects an acceptor splice site in intron 19 of the PHEX gene. It is expected to disrupt RNA splicing. Variants that disrupt the donor or acceptor splice site typically lead to a loss of protein function (PMID: 16199547), and loss-of-function variants in PHEX are known to be pathogenic (PMID: 9097956, 9106524, 19219621). This variant is not present in population databases (gnomAD no frequency). Disruption of this splice site has been observed in individual(s) with X-linked hypophosphatemia (PMID: 30682568). Algorithms developed to predict the effect of sequence changes on RNA splicing suggest that this variant may disrupt the consensus splice site. For these reasons, this variant has been classified as Pathogenic.

Literature cited by the submitters: PubMed 16199547; PubMed 9097956; PubMed 9106524; PubMed 19219621; PubMed 30682568.

NM_000444.6(PHEX):c.1966-2A>G

Genes: PHEX (phosphate regulating endopeptidase X-linked; plus strand), PTCHD1-AS (PTCHD1 and PHEX antisense RNA; minus strand). Cytogenetic location: Xp22.11.
Variant type: single nucleotide variant.
Coding change: c.1966-2A>G on transcript NM_000444.6 (MANE Select); the canonical splice acceptor site of the intron before coding-DNA position 1966, A replaced by G.
Molecular consequence: splice acceptor variant. On other transcripts: non-coding transcript variant (1).
Genome position (GRCh38, 1-based): chrX:22,227,505, A>G. VCF-style: chrX-22227505-A-G. GRCh37 (hg19) VCF-style: chrX-22245622-A-G.
Other names: c.1966-2A>G (NM_001282754.2).
Identifiers: ClinVar variation 2169634 (VCV002169634.4), dbSNP rs2518676542, ClinGen allele CA412574276.
Genomic context (GRCh38, chrX:22,227,505, plus strand): 5'-TAGCTGAGCAAAGAGAAAAACCCACCGTTGCAGAGACTCATCTCTTCTTCTTCTCTCACC[A>G]GGCTTACAGGAAATGGATAAATGACAGAAGGCAGGGACTTGAGGAGCCTCTTCTACCAGG-3'